The following is an entry in ClinVar:

NM_000393.5(COL5A2):c.870T>C (p.Pro290=)

Gene: COL5A2 (collagen type V alpha 2 chain; minus strand). Cytogenetic location: 2q32.2.
Variant type: single nucleotide variant.
Coding change: c.870T>C on transcript NM_000393.5 (MANE Select); coding-DNA position 870, T replaced by C.
Protein change: p.Pro290=; no amino-acid change (proline 290 retained).
Molecular consequence: synonymous variant.
Genome position (GRCh38, 1-based): chr2:189,081,026, A>G on the plus strand (T>C on the coding strand, the complement: COL5A2 is on the minus strand). VCF-style: chr2-189081026-A-G. GRCh37 (hg19) VCF-style: chr2-189945752-A-G.
Other names: c.870T>C (NM_000393.4).
Identifiers: ClinVar variation 289442 (VCV000289442.24), dbSNP rs139656817, ClinGen allele CA2022922.

ClinVar aggregate classification (germline): Conflicting classifications of pathogenicity. Review status: criteria provided, conflicting classifications (1 of 4 stars). 7 submissions from 7 submitters: Uncertain significance (1); Benign (1); Likely benign (4). 1 of the submissions does not count toward it. Last evaluated 2026-01-20.

Conditions:
COL5A2-related disorder. Also called: COL5A2-related condition.
Ehlers-Danlos syndrome, classic type, 1 (EDSCL1). Also called: EHLERS-DANLOS SYNDROME, GRAVIS TYPE; EHLERS-DANLOS SYNDROME, SEVERE CLASSIC TYPE; Ehlers-Danlos Syndrome, Classic Type, COL5A1-Related; EDS I; Ehlers-Danlos syndrome, type 1. Identifiers: MedGen C0268335, MONDO:0019567, OMIM 130000.
Familial thoracic aortic aneurysm and aortic dissection (TAAD). Also called: Thoracic aortic aneurysms and dissections. Identifiers: Orphanet 91387, MedGen C4707243, MONDO:0019625.

Allele frequency attached by ClinVar (database versions not stated): gnomAD 0.00004 and 0.00005; TOPMed 0.00005; ESP Exome Variant Server 0.00008; gnomAD exomes 0.00008 and 0.00012; ExAC 0.00018.
gnomAD v4.1: 131 of 1,613,422 alleles (0.0081%); highest among the groups gnomAD compares: Non-Finnish European, 0.01%; no homozygotes.

Submissions (7):

Labcorp Genetics (formerly Invitae), Labcorp
Classification: Likely benign for Ehlers-Danlos syndrome, classic type, 1. Last evaluated: 2026-01-20. Review status: criteria provided, single submitter. Criteria: Invitae Variant Classification Sherloc (09022015). Collection method: clinical testing. Allele origin: germline.

Women's Health and Genetics/Laboratory Corporation of America, LabCorp
Classification: Benign. Last evaluated: 2024-05-20. Review status: criteria provided, single submitter. Criteria: LabCorp Variant Classification Summary - May 2015. Collection method: clinical testing. Allele origin: germline.

Blueprint Genetics
Classification: Likely benign. Last evaluated: 2024-04-05. Review status: criteria provided, single submitter. Criteria: ACMG Guidelines, 2015. Collection method: clinical testing. Allele origin: germline.

Ambry Genetics
Classification: Likely benign for Familial thoracic aortic aneurysm and aortic dissection. Last evaluated: 2019-07-24. Review status: criteria provided, single submitter. Criteria: Ambry Variant Classification Scheme 2023. Collection method: clinical testing. Allele origin: germline.

GeneDx
Classification: Likely benign. Last evaluated: 2018-11-13. Review status: criteria provided, single submitter. Criteria: GeneDx Variant Classification Process June 2021. Collection method: clinical testing. Allele origin: germline. Affected: yes.

Eurofins Ntd Llc (ga)
Classification: Uncertain significance. Last evaluated: 2016-08-05. Review status: criteria provided, single submitter. Criteria: EGL Classification Definitions 2015. Collection method: clinical testing. Allele origin: germline. Observed: 1 variant allele, 1 heterozygote.

PreventionGenetics, part of Exact Sciences
Classification: Likely benign for COL5A2-related condition. Last evaluated: 2021-03-11. Review status: no assertion criteria provided. Collection method: clinical testing. Allele origin: germline. Not counted in ClinVar's aggregate classification.
Comment: This variant is classified as likely benign based on ACMG/AMP sequence variant interpretation guidelines (Richards et al. 2015 PMID: 25741868, with internal and published modifications).